The following is an entry in ClinVar:

ClinVar aggregate classification (germline): Conflicting classifications of pathogenicity. Review status: criteria provided, conflicting classifications (1 of 4 stars). 3 submissions from 3 submitters: Uncertain significance (1); Likely benign (1). 1 of the submissions does not count toward it. Last evaluated 2025-12-09.

Conditions:
Predisposition to invasive fungal disease due to CARD9 deficiency (IMD103). Also called: Candidiasis, familial, 2, autosomal recessive; IMMUNODEFICIENCY 103, SUSCEPTIBILITY TO FUNGAL INFECTIONS; CARD9 IMMUNODEFICIENCY. Identifiers: Orphanet 457088, MedGen C1859353, MONDO:0008905, OMIM 212050.
CARD9-related disorder. Also called: CARD9-related condition.

Allele frequency attached by ClinVar (database versions not stated): ExAC 0.00002; gnomAD 0.00002; TOPMed 0.00003.

Submissions (3):

Labcorp Genetics (formerly Invitae), Labcorp
Classification: Likely benign for Predisposition to invasive fungal disease due to CARD9 deficiency. Last evaluated: 2025-12-09. Review status: criteria provided, single submitter. Criteria: Invitae Variant Classification Sherloc (09022015). Collection method: clinical testing. Allele origin: germline.

Blueprint Genetics
Classification: Uncertain significance. Last evaluated: 2024-11-07. Review status: criteria provided, single submitter. Criteria: ACMG Guidelines, 2015. Collection method: clinical testing. Allele origin: germline.

PreventionGenetics, part of Exact Sciences
Classification: Likely benign for CARD9-related condition. Last evaluated: 2023-10-18. Review status: no assertion criteria provided. Collection method: clinical testing. Allele origin: germline. Not counted in ClinVar's aggregate classification.
Comment: This variant is classified as likely benign based on ACMG/AMP sequence variant interpretation guidelines (Richards et al. 2015 PMID: 25741868, with internal and published modifications).

NM_052813.5(CARD9):c.1341C>T (p.Thr447=)

Gene: CARD9 (caspase recruitment domain family member 9; minus strand). Cytogenetic location: 9q34.3.
Variant type: single nucleotide variant.
Coding change: c.1341C>T on transcript NM_052813.5 (MANE Select); coding-DNA position 1341, C replaced by T.
Protein change: p.Thr447=; no amino-acid change (threonine 447 retained).
Molecular consequence: synonymous variant.
Genome position (GRCh38, 1-based): chr9:136,366,816, G>A on the plus strand (C>T on the coding strand, the complement: CARD9 is on the minus strand). VCF-style: chr9-136366816-G-A. GRCh37 (hg19) VCF-style: chr9-139261268-G-A.
Other names: c.1341C>T, p.Thr447= (NM_052814.4).
Identifiers: ClinVar variation 636957 (VCV000636957.13), dbSNP rs774391206, ClinGen allele CA5332698.